The following is an entry in ClinVar:

ClinVar aggregate classification (germline): Uncertain significance (1 of 4 stars; one submission).

Conditions:
Methylcobalamin deficiency type cblE (HMAE). Also called: VITAMIN B12-RESPONSIVE HOMOCYSTINURIA, cblE TYPE; HOMOCYSTINURIA-MEGALOBLASTIC ANEMIA, cblE COMPLEMENTATION TYPE; HOMOCYSTINURIA-MEGALOBLASTIC ANEMIA, cblE TYPE. Identifiers: Orphanet 2169, Orphanet 622, MedGen C1856057, MONDO:0009354, OMIM 236270.

Allele frequency attached by ClinVar (database versions not stated): gnomAD 0.00001; gnomAD exomes 0.00001; TOPMed 0.00001; ExAC 0.00002.
gnomAD v4.1: 8 of 1,613,544 alleles (0.0005%); highest among the groups gnomAD compares: Admixed American, 0.0067%; no homozygotes.

Submission:

Labcorp Genetics (formerly Invitae), Labcorp
Classification: Uncertain significance for Methylcobalamin deficiency type cblE. Last evaluated: 2021-08-26. Review status: criteria provided, single submitter. Criteria: Invitae Variant Classification Sherloc (09022015). Collection method: clinical testing. Allele origin: germline.
Comment: This sequence change falls in intron 13 of the MTRR gene. It does not directly change the encoded amino acid sequence of the MTRR protein. It affects a nucleotide within the consensus splice site of the intron. This variant is present in population databases (rs775283888, ExAC 0.02%). This variant has not been reported in the literature in individuals affected with MTRR-related conditions. Variants that disrupt the consensus splice site are a relatively common cause of aberrant splicing (PMID: 17576681, 9536098). Algorithms developed to predict the effect of sequence changes on RNA splicing suggest that this variant is not likely to affect RNA splicing. In summary, the available evidence is currently insufficient to determine the role of this variant in disease. Therefore, it has been classified as a Variant of Uncertain Significance.

Literature cited by the submitters: PubMed 17576681; PubMed 9536098.

NM_002454.3(MTRR):c.1769+6G>A

Gene: MTRR (5-methyltetrahydrofolate-homocysteine methyltransferase reductase; plus strand). Cytogenetic location: 5p15.31.
Variant type: single nucleotide variant.
Coding change: c.1769+6G>A on transcript NM_002454.3 (MANE Select); 6 bases into the intron after coding-DNA position 1769, G replaced by A.
Molecular consequence: intron variant.
Genome position (GRCh38, 1-based): chr5:7,896,962, G>A. VCF-style: chr5-7896962-G-A. GRCh37 (hg19) VCF-style: chr5-7897075-G-A.
Other names: c.1769+6G>A (NM_001364440.2, NM_001364441.2, NM_001364442.2 and 1 more transcripts).
Identifiers: ClinVar variation 2184480 (VCV002184480.1), dbSNP rs775283888, ClinGen allele CA3196052.